The following is an entry in ClinVar:

NM_001395656.1(ROBO2):c.1984G>A (p.Val662Ile)

Genes: ROBO2 (roundabout guidance receptor 2; plus strand), LOC126806727 (BRD4-independent group 4 enhancer GRCh37_chr3:77623115-77624314; plus strand). Cytogenetic location: 3p12.3.
Variant type: single nucleotide variant.
Coding change: c.1984G>A on transcript NM_001395656.1 (MANE Select); coding-DNA position 1984, G replaced by A.
Protein change: p.Val662Ile; replaces valine 662 with isoleucine.
Molecular consequence: missense variant.
Genome position (GRCh38, 1-based): chr3:77,574,499, G>A. VCF-style: chr3-77574499-G-A. GRCh37 (hg19) VCF-style: chr3-77623650-G-A.
Other names: c.2020G>A, p.Val674Ile (NM_001128929.3); c.1984G>A, p.Val662Ile (NM_001290039.2, NM_001290040.2, NM_001378202.1); c.193G>A, p.Val65Ile (NM_001290065.2); c.2032G>A, p.Val678Ile (NM_001378190.1, NM_001378191.1, NM_001378195.1 and 4 more transcripts); c.2053G>A, p.Val685Ile (NM_001378192.1, NM_001378194.1, NM_001378198.1 and 2 more transcripts); c.1972G>A, p.Val658Ile (NM_001378193.1, NM_001378197.1, NM_002942.5); c.2041G>A, p.Val681Ile (NM_001394212.1, NM_001394214.1, NM_001395657.1); short protein forms V658I, V674I, V65I, V662I, V678I, V681I, V685I.
Identifiers: ClinVar variation 346694 (VCV000346694.8), dbSNP rs372550683, ClinGen allele CA2497217.

ClinVar aggregate classification (germline): Uncertain significance (1 of 4 stars; one submission).

Allele frequency attached by ClinVar (database versions not stated): ExAC 0.00001; ESP Exome Variant Server 0.00008; 1000 Genomes Project 30x 0.00016.
gnomAD v4.1: 6 of 1,612,884 alleles (0.00037%); highest among the groups gnomAD compares: Admixed American, 0.0067%; no homozygotes.

Submission:

Labcorp Genetics (formerly Invitae), Labcorp
Classification: Uncertain significance. Last evaluated: 2024-06-30. Review status: criteria provided, single submitter. Criteria: Invitae Variant Classification Sherloc (09022015). Collection method: clinical testing. Allele origin: germline.
Comment: This sequence change replaces valine, which is neutral and non-polar, with isoleucine, which is neutral and non-polar, at codon 658 of the ROBO2 protein (p.Val658Ile). This variant is present in population databases (rs372550683, gnomAD no frequency). This variant has not been reported in the literature in individuals affected with ROBO2-related conditions. ClinVar contains an entry for this variant (Variation ID: 346694). An algorithm developed to predict the effect of missense changes on protein structure and function (PolyPhen-2) suggests that this variant is likely to be tolerated. In summary, the available evidence is currently insufficient to determine the role of this variant in disease. Therefore, it has been classified as a Variant of Uncertain Significance.